The following is an entry in ClinVar:

ClinVar aggregate classification (germline): Uncertain significance. Review status: criteria provided, multiple submitters, no conflicts (2 of 4 stars). 2 submissions from 2 submitters: Uncertain significance (2). Last evaluated 2022-05-25.

Conditions:
Autosomal recessive hypophosphatemic bone disease (HHRH). Also called: HYPERCALCIURIC RICKETS; Hypophosphatemic rickets with hypercalciuria. Identifiers: Orphanet 157215, MedGen C1853271, MONDO:0009431, OMIM 241530.

Allele frequency attached by ClinVar (database versions not stated): ESP Exome Variant Server 0.00008.
gnomAD v4.1: 10 of 1,611,900 alleles (0.00062%); highest among the groups gnomAD compares: Non-Finnish European, 0.00076%; no homozygotes.

Submissions (2):

Fulgent Genetics
Classification: Uncertain significance for Autosomal recessive hypophosphatemic bone disease. Last evaluated: 2022-05-25. Review status: criteria provided, single submitter. Criteria: ACMG Guidelines, 2015. Collection method: clinical testing. Allele origin: unknown.

Labcorp Genetics (formerly Invitae), Labcorp
Classification: Uncertain significance. Last evaluated: 2019-10-21. Review status: criteria provided, single submitter. Criteria: Invitae Variant Classification Sherloc (09022015). Collection method: clinical testing. Allele origin: germline.
Comment: This sequence change replaces glycine with arginine at codon 166 of the SLC34A3 protein (p.Gly166Arg). The glycine residue is highly conserved and there is a moderate physicochemical difference between glycine and arginine. This variant is not present in population databases (ExAC no frequency). This variant has not been reported in the literature in individuals with SLC34A3-related conditions. Algorithms developed to predict the effect of missense changes on protein structure and function are either unavailable or do not agree on the potential impact of this missense change (SIFT: "Deleterious"; PolyPhen-2: "Benign"; Align-GVGD: "Class C15"). In summary, the available evidence is currently insufficient to determine the role of this variant in disease. Therefore, it has been classified as a Variant of Uncertain Significance.

NM_001177316.2(SLC34A3):c.496G>C (p.Gly166Arg)

Gene: SLC34A3 (solute carrier family 34 member 3; plus strand). Cytogenetic location: 9q34.3.
Variant type: single nucleotide variant.
Coding change: c.496G>C on transcript NM_001177316.2 (MANE Select); coding-DNA position 496, G replaced by C.
Protein change: p.Gly166Arg; replaces glycine 166 with arginine.
Molecular consequence: missense variant.
Genome position (GRCh38, 1-based): chr9:137,233,051, G>C. VCF-style: chr9-137233051-G-C. GRCh37 (hg19) VCF-style: chr9-140127503-G-C.
Other names: c.496G>C, p.Gly166Arg (NM_001177317.2, NM_080877.3); short protein forms G166R.
Identifiers: ClinVar variation 934420 (VCV000934420.3), dbSNP rs200536604, ClinGen allele CA201694660.
Genomic context (GRCh38, chr9:137,233,051, plus strand): 5'-CCCCCACCAGCAGTGCTGACTGTCCGGGTGTCTGTGCCCATCATCATGGGTGTCAACGTA[G>C]GCACATCCATCACCAGCACCCTGGTCTCAATGGCGCAGTCAGGGGACCGGGATGAATTTC-3'
Protein context (NP_001170787.2, residues 156-176): SVPIIMGVNV[Gly166Arg]TSITSTLVSM